The following is an entry in ClinVar:

NM_021954.4(GJA3):c.151G>C (p.Asp51His)

Gene: GJA3 (gap junction protein alpha 3; minus strand). Cytogenetic location: 13q12.11.
Variant type: single nucleotide variant.
Coding change: c.151G>C on transcript NM_021954.4 (MANE Select); coding-DNA position 151, G replaced by C.
Protein change: p.Asp51His; replaces aspartic acid 51 with histidine.
Molecular consequence: missense variant.
Genome position (GRCh38, 1-based): chr13:20,143,138, C>G on the plus strand (G>C on the coding strand, the complement: GJA3 is on the minus strand). VCF-style: chr13-20143138-C-G. GRCh37 (hg19) VCF-style: chr13-20717277-C-G.
Other names: short protein forms D51H.
Identifiers: ClinVar variation 1474368 (VCV001474368.34), dbSNP rs2141138391, ClinGen allele CA387465549.

ClinVar aggregate classification (germline): Likely pathogenic. Review status: criteria provided, multiple submitters, no conflicts (2 of 4 stars). 2 submissions from 2 submitters: Likely pathogenic (2). Last evaluated 2023-04-01.

Conditions:
Cataract 14 multiple types. Also called: CATARACT 14, ZONULAR PULVERULENT; CATARACT 14, NUCLEAR PULVERULENT; CATARACT 14, NUCLEAR PULVERULENT AND POSTERIOR POLAR; CATARACT 14, NUCLEAR CORALLIFORM; CATARACT 14, EMBRYONAL NUCLEAR; CATARACT 14, COPPOCK-LIKE. Identifiers: Orphanet 91492, MedGen C1866078, MONDO:0011162, OMIM 601885.

Submissions (2):

CeGaT Center for Human Genetics Tuebingen
Classification: Likely pathogenic. Last evaluated: 2023-04-01. Review status: criteria provided, single submitter. Criteria: CeGaT Center For Human Genetics Tuebingen Variant Classification Criteria Version 2. Collection method: clinical testing. Allele origin: germline. Affected: yes. Observed: 1 variant allele.
Comment: GJA3: PM1, PM2, PP3, PS4:Supporting

Labcorp Genetics (formerly Invitae), Labcorp
Classification: Likely pathogenic for Cataract 14 multiple types. Last evaluated: 2021-05-07. Review status: criteria provided, single submitter. Criteria: Invitae Variant Classification Sherloc (09022015). Collection method: clinical testing. Allele origin: germline.
Comment: This sequence change replaces aspartic acid with histidine at codon 51 of the GJA3 protein (p.Asp51His). The aspartic acid residue is highly conserved and there is a moderate physicochemical difference between aspartic acid and histidine. This variant is not present in population databases (ExAC no frequency). This variant has been observed in individual(s) with congenital cataracts (Invitae). In at least one individual the variant was observed to be de novo. Algorithms developed to predict the effect of missense changes on protein structure and function (SIFT, PolyPhen-2, Align-GVGD) all suggest that this variant is likely to be disruptive, but these predictions have not been confirmed by published functional studies and their clinical significance is uncertain. In summary, the currently available evidence indicates that the variant is pathogenic, but additional data are needed to prove that conclusively. Therefore, this variant has been classified as Likely Pathogenic.